The following is an entry in ClinVar:

NM_014264.5(PLK4):c.619G>A (p.Gly207Arg)

Gene: PLK4 (polo like kinase 4; plus strand). Cytogenetic location: 4q28.1.
Variant type: single nucleotide variant.
Coding change: c.619G>A on transcript NM_014264.5 (MANE Select); coding-DNA position 619, G replaced by A.
Protein change: p.Gly207Arg; replaces glycine 207 with arginine.
Molecular consequence: missense variant.
Genome position (GRCh38, 1-based): chr4:127,885,989, G>A. VCF-style: chr4-127885989-G-A. GRCh37 (hg19) VCF-style: chr4-128807144-G-A.
Other names: c.523G>A, p.Gly175Arg (NM_001190799.2); c.496G>A, p.Gly166Arg (NM_001190801.2); short protein forms G166R, G207R, G175R.
Identifiers: ClinVar variation 957507 (VCV000957507.5), dbSNP rs370469799, ClinGen allele CA3076604.

ClinVar aggregate classification (germline): Uncertain significance. Review status: criteria provided, multiple submitters, no conflicts (2 of 4 stars). 2 submissions from 2 submitters: Uncertain significance (2). Last evaluated 2025-02-20.

Conditions:
Inborn genetic diseases. Identifiers: MedGen C0950123, MeSH D030342.

Allele frequency attached by ClinVar (database versions not stated): gnomAD exomes 0.00002 and 0.00003; gnomAD 0.00005 and 0.00006; ExAC 0.00006; TOPMed 0.00007; ESP Exome Variant Server 0.00008.
gnomAD v4.1: 33 of 1,614,034 alleles (0.002%); highest among the groups gnomAD compares: Admixed American, 0.0067%; no homozygotes.

Submissions (2):

Ambry Genetics
Classification: Uncertain significance for Inborn genetic diseases. Last evaluated: 2025-02-20. Review status: criteria provided, single submitter. Criteria: Ambry Variant Classification Scheme 2023. Collection method: clinical testing. Allele origin: germline.

Labcorp Genetics (formerly Invitae), Labcorp
Classification: Uncertain significance. Last evaluated: 2022-10-24. Review status: criteria provided, single submitter. Criteria: Invitae Variant Classification Sherloc (09022015). Collection method: clinical testing. Allele origin: germline.
Comment: This sequence change replaces glycine, which is neutral and non-polar, with arginine, which is basic and polar, at codon 207 of the PLK4 protein (p.Gly207Arg). This variant is present in population databases (rs370469799, gnomAD 0.006%). This variant has not been reported in the literature in individuals affected with PLK4-related conditions. ClinVar contains an entry for this variant (Variation ID: 957507). Algorithms developed to predict the effect of missense changes on protein structure and function (SIFT, PolyPhen-2, Align-GVGD) all suggest that this variant is likely to be disruptive. In summary, the available evidence is currently insufficient to determine the role of this variant in disease. Therefore, it has been classified as a Variant of Uncertain Significance.